The following is an entry in ClinVar:

ClinVar aggregate classification (germline): Benign. Review status: criteria provided, multiple submitters, no conflicts (2 of 4 stars). 3 submissions from 3 submitters: Benign (3). Last evaluated 2018-06-23.

Conditions:
Leigh syndrome (NULS). Also called: Leigh Disease; Subacute necrotizing encephalopathy; Necrotizing encephalopathy infantile subacute of Leigh; Leigh's syndrome; Leigh's necrotizing encephalopathy; Leigh's disease. Identifiers: Orphanet 506, MedGen C2931891, MONDO:0009723, OMIM 256000.

Allele frequency attached by ClinVar (database versions not stated): 1000 Genomes Project 30x 0.02936; 1000 Genomes Project 0.03155; TOPMed 0.05465; gnomAD 0.05639 and 0.05734; gnomAD exomes 0.07288.
gnomAD v4.1: 80,744 of 1,144,576 alleles (7.1%); highest among the groups gnomAD compares: Non-Finnish European, 8.5%; 3,318 homozygotes.

Submissions (3):

GeneDx
Classification: Benign. Last evaluated: 2018-06-23. Review status: criteria provided, single submitter. Criteria: GeneDx Variant Classification Process June 2021. Collection method: clinical testing. Allele origin: germline. Affected: yes.

Illumina Laboratory Services, Illumina
Classification: Benign for Leigh syndrome. Last evaluated: 2018-01-13. Review status: criteria provided, single submitter. Criteria: ICSL Variant Classification Criteria 13 December 2019. Collection method: clinical testing. Allele origin: germline.
Comment: This variant was observed in the ICSL laboratory as part of a predisposition screen in an ostensibly healthy population. It had not been previously curated by ICSL or reported in the Human Gene Mutation Database (HGMD: prior to June 1st, 2018), and was therefore a candidate for classification through an automated scoring system. Utilizing variant allele frequency, disease prevalence and penetrance estimates, and inheritance mode, an automated score was calculated to assess if this variant is too frequent to cause the disease. Based on the score and internal cut-off values, a variant classified as benign is not then subjected to further curation. The score for this variant resulted in a classification of benign for this disease.

Breakthrough Genomics
Classification: Benign. Review status: criteria provided, single submitter. Criteria: ACMG Guidelines, 2015. Collection method: not provided. Allele origin: germline. Inheritance: Autosomal recessive inheritance. Affected: yes.

NM_003172.4(SURF1):c.*118T>C

Gene: SURF1 (SURF1 cytochrome c oxidase assembly factor; minus strand). Cytogenetic location: 9q34.2.
Variant type: single nucleotide variant.
Coding change: c.*118T>C on transcript NM_003172.4 (MANE Select); 118 bases downstream of the stop codon, T replaced by C.
Molecular consequence: 3 prime UTR variant.
Genome position (GRCh38, 1-based): chr9:133,351,795, A>G on the plus strand (T>C on the coding strand, the complement: SURF1 is on the minus strand). VCF-style: chr9-133351795-A-G. GRCh37 (hg19) VCF-style: chr9-136218650-A-G.
Identifiers: ClinVar variation 912544 (VCV000912544.6), dbSNP rs4962133, ClinGen allele CA200831805.